The following is an entry in ClinVar:

ClinVar aggregate classification (germline): Likely benign (1 of 4 stars; one submission).

Conditions:
TTN-related disorder. Also called: TTN-related condition; TTN-related disease; TTN-related disorders.

gnomAD v4.1: 2 of 1,613,964 alleles (0.00012%); highest among the groups gnomAD compares: Non-Finnish European, 0.000085%; no homozygotes.

Submission:

PreventionGenetics, part of Exact Sciences
Classification: Likely benign for TTN-related condition. Last evaluated: 2025-11-06. Review status: criteria provided, single submitter. Criteria: ACMG Guidelines, 2015. Collection method: clinical testing. Allele origin: germline.
Comment: This variant is classified as likely benign based on ACMG/AMP sequence variant interpretation guidelines (Richards et al. 2015 PMID: 25741868, with internal and published modifications).

NM_001267550.2(TTN):c.9045G>A (p.Gln3015=)

Gene: TTN (titin; minus strand). Cytogenetic location: 2q31.2.
Variant type: single nucleotide variant.
Coding change: c.9045G>A on transcript NM_001267550.2 (MANE Select); coding-DNA position 9045, G replaced by A.
Protein change: p.Gln3015=; no amino-acid change (glutamine 3015 retained).
Molecular consequence: synonymous variant.
Genome position (GRCh38, 1-based): chr2:178,768,791, C>T on the plus strand (G>A on the coding strand, the complement: TTN is on the minus strand). VCF-style: chr2-178768791-C-T. GRCh37 (hg19) VCF-style: chr2-179633518-C-T.
Other names: c.9045G>A, p.Gln3015= (NM_001256850.1, NM_133378.4, NM_133379.5); c.8907G>A, p.Gln2969= (NM_003319.4, NM_133432.3, NM_133437.4).
Identifiers: ClinVar variation 4977768 (VCV004977768.1).